The following is an entry in ClinVar:

ClinVar aggregate classification (germline): Conflicting classifications of pathogenicity. Review status: criteria provided, conflicting classifications (1 of 4 stars). 4 submissions from 4 submitters: Uncertain significance (1); Likely benign (3). Last evaluated 2025-10-20.

Conditions:
Epilepsy, idiopathic generalized, susceptibility to, 10. Identifiers: MedGen C2751603, MONDO:0013103, OMIM 613060.
Idiopathic generalized epilepsy. Also called: EIG; Generalised epilepsy. Identifiers: MedGen C0270850, MONDO:0005579, OMIM 600669.

Allele frequency attached by ClinVar (database versions not stated): 1000 Genomes Project 30x 0.00016; 1000 Genomes Project 0.00020; TOPMed 0.00024; gnomAD exomes 0.00028 and 0.00094; ExAC 0.00031; gnomAD 0.00033 and 0.00034; ESP Exome Variant Server 0.00054.
gnomAD v4.1: 1,407 of 1,609,530 alleles (0.087%); highest among the groups gnomAD compares: Non-Finnish European, 0.11%; 1 homozygote.

Submissions (4):

Labcorp Genetics (formerly Invitae), Labcorp
Classification: Uncertain significance for Idiopathic generalized epilepsy. Last evaluated: 2025-10-20. Review status: criteria provided, single submitter. Criteria: Invitae Variant Classification Sherloc (09022015). Collection method: clinical testing. Allele origin: germline.
Comment: This sequence change falls in intron 4 of the GABRD gene. It does not directly change the encoded amino acid sequence of the GABRD protein. It affects a nucleotide within the consensus splice site. This variant is present in population databases (rs202225187, gnomAD 0.05%), and has an allele count higher than expected for a pathogenic variant. This variant has not been reported in the literature in individuals affected with GABRD-related conditions. ClinVar contains an entry for this variant (Variation ID: 447367). Variants that disrupt the consensus splice site are a relatively common cause of aberrant splicing (PMID: 17576681, 9536098). Algorithms developed to predict the effect of sequence changes on RNA splicing suggest that this variant is not likely to affect RNA splicing. In summary, the available evidence is currently insufficient to determine the role of this variant in disease. Therefore, it has been classified as a Variant of Uncertain Significance.

CeGaT Center for Human Genetics Tuebingen
Classification: Likely benign. Last evaluated: 2025-05-01. Review status: criteria provided, single submitter. Criteria: CeGaT Center For Human Genetics Tuebingen Variant Classification Criteria Version 2. Collection method: clinical testing. Allele origin: germline. Affected: yes. Observed: 1 variant allele.
Comment: GABRD: BP4, BS2

ARUP Laboratories, Molecular Genetics and Genomics, ARUP Laboratories
Classification: Likely benign for Epilepsy, idiopathic generalized, susceptibility to, 10. Last evaluated: 2025-04-25. Review status: criteria provided, single submitter. Criteria: ARUP Molecular Germline Variant Investigation Process 2024. Collection method: clinical testing. Allele origin: germline.

Athena Diagnostics
Classification: Likely benign. Last evaluated: 2017-06-09. Review status: criteria provided, single submitter. Criteria: Athena Diagnostics Criteria. Collection method: clinical testing. Allele origin: germline.

Literature cited by the submitters: PubMed 17576681 (cited by Labcorp Genetics (formerly Invitae), Labcorp); PubMed 9536098 (cited by Labcorp Genetics (formerly Invitae), Labcorp).

NM_000815.5(GABRD):c.470+6C>T

Gene: GABRD (gamma-aminobutyric acid type A receptor subunit delta; plus strand). Cytogenetic location: 1p36.33.
Variant type: single nucleotide variant.
Coding change: c.470+6C>T on transcript NM_000815.5 (MANE Select); 6 bases into the intron after coding-DNA position 470, C replaced by T.
Molecular consequence: intron variant.
Genome position (GRCh38, 1-based): chr1:2,025,744, C>T. VCF-style: chr1-2025744-C-T. GRCh37 (hg19) VCF-style: chr1-1957183-C-T.
Identifiers: ClinVar variation 447367 (VCV000447367.20), dbSNP rs202225187, ClinGen allele CA534645.
Genomic context (GRCh38, chr1:2,025,744, plus strand): 5'-TGGAGAACAAGCTCATCCGGCTGCAGCCCGACGGCGTGATCCTGTACAGCATCCGGTGAG[C>T]GGGCTGCCCACCCGGACTCCGGGGGAGAGCCTGCCCGGGCCAAGCGTCGGCGCCTGGACG-3'